The following is an entry in ClinVar:

NM_000540.3(RYR1):c.2121C>T (p.Gly707=)

Gene: RYR1 (ryanodine receptor 1; plus strand). Cytogenetic location: 19q13.2.
Variant type: single nucleotide variant.
Coding change: c.2121C>T on transcript NM_000540.3 (MANE Select); coding-DNA position 2121, C replaced by T.
Protein change: p.Gly707=; no amino-acid change (glycine 707 retained).
Molecular consequence: synonymous variant.
Genome position (GRCh38, 1-based): chr19:38,458,246, C>T. VCF-style: chr19-38458246-C-T. GRCh37 (hg19) VCF-style: chr19-38948886-C-T.
Other names: c.2121C>T, p.Gly707= (NM_001042723.2).
Identifiers: ClinVar variation 2849380 (VCV002849380.4), dbSNP rs146104858, ClinGen allele CA507243916.

ClinVar aggregate classification (germline): Conflicting classifications of pathogenicity. Review status: criteria provided, conflicting classifications (1 of 4 stars). 2 submissions from 2 submitters: Uncertain significance (1); Likely benign (1). Last evaluated 2024-07-31.

Conditions:
RYR1-related disorder. Also called: RYR1-related condition; RYR1-related disorders. Identifiers: MedGen CN239331.
Malignant hyperthermia, susceptibility to, 1 (MHS1). Also called: RYR1-Related Malignant Hyperthermia Susceptibility; Anesthesia related hyperthermia; Malignant hyperpyrexia; Fulminating hyperpyrexia; Pharmacogenic myopathy; Malignant hyperthermia suceptibility 1. Identifiers: Orphanet 423, MedGen C2930980, MONDO:0007783, OMIM 145600.

gnomAD v4.1: 4 of 1,613,976 alleles (0.00025%); highest among the groups gnomAD compares: African/African-American, 0.0013%; no homozygotes.

Submissions (2):

Labcorp Genetics (formerly Invitae), Labcorp
Classification: Likely benign for RYR1-related disorder. Last evaluated: 2024-07-31. Review status: criteria provided, single submitter. Criteria: Invitae Variant Classification Sherloc (09022015). Collection method: clinical testing. Allele origin: germline.

All of Us Research Program, National Institutes of Health
Classification: Uncertain significance for Malignant hyperthermia, susceptibility to, 1. Last evaluated: 2023-06-26. Review status: criteria provided, single submitter. Criteria: ACMG Guidelines, 2015. Collection method: clinical testing. Allele origin: germline. Inheritance: Autosomal dominant inheritance. Observed: 2 variant alleles, 2 heterozygotes.
Comment: This variant is located in the RYR1 protein. To our knowledge, functional studies have not been reported for this variant. This variant has not been reported in individuals affected with RYR1-related disorders in the literature. This variant has been identified in 1/248322 chromosomes in the general population by the Genome Aggregation Database (gnomAD). The available evidence is insufficient to determine the role of this variant in disease conclusively. Therefore, this variant is classified as a Variant of Uncertain Significance.

This study involves interpretation of variants in research participants for the purpose of population health screening. Participant phenotype was not available at the time of variant classification. Additional details can be found in publication PMID: 35346344, PMCID: PMC8962531